The following is an entry in ClinVar:

ClinVar aggregate classification (germline): Uncertain significance (1 of 4 stars; one submission).

Conditions:
Combined immunodeficiency due to CTPS1 deficiency. Also called: Severe combined immunodeficiency due to CTPS1 deficiency; Immunodeficiency 24. Identifiers: Orphanet 420573, MedGen C4014617, MONDO:0014391, OMIM 615897.

Allele frequency attached by ClinVar (database versions not stated): TOPMed below 0.00001.

Submission:

Labcorp Genetics (formerly Invitae), Labcorp
Classification: Uncertain significance for Combined immunodeficiency due to CTPS1 deficiency. Last evaluated: 2022-08-15. Review status: criteria provided, single submitter. Criteria: Invitae Variant Classification Sherloc (09022015). Collection method: clinical testing. Allele origin: germline.
Comment: This sequence change replaces tyrosine, which is neutral and polar, with phenylalanine, which is neutral and non-polar, at codon 336 of the CTPS1 protein (p.Tyr336Phe). This variant is not present in population databases (gnomAD no frequency). This variant has not been reported in the literature in individuals affected with CTPS1-related conditions. ClinVar contains an entry for this variant (Variation ID: 1040037). Algorithms developed to predict the effect of missense changes on protein structure and function (SIFT, PolyPhen-2, Align-GVGD) all suggest that this variant is likely to be tolerated. In summary, the available evidence is currently insufficient to determine the role of this variant in disease. Therefore, it has been classified as a Variant of Uncertain Significance.

NM_001905.4(CTPS1):c.1007A>T (p.Tyr336Phe)

Gene: CTPS1 (CTP synthase 1; plus strand). Cytogenetic location: 1p34.2.
Variant type: single nucleotide variant.
Coding change: c.1007A>T on transcript NM_001905.4 (MANE Select); coding-DNA position 1007, A replaced by T.
Protein change: p.Tyr336Phe; replaces tyrosine 336 with phenylalanine.
Molecular consequence: missense variant. On other transcripts: non-coding transcript variant (1).
Genome position (GRCh38, 1-based): chr1:41,001,030, A>T. VCF-style: chr1-41001030-A-T. GRCh37 (hg19) VCF-style: chr1-41466702-A-T.
Other names: c.539A>T, p.Tyr180Phe (NM_001301237.2); short protein forms Y180F, Y336F.
Identifiers: ClinVar variation 1040037 (VCV001040037.6), dbSNP rs1570970424, ClinGen allele CA339905159.